The following is an entry in ClinVar:

ClinVar aggregate classification (germline): Uncertain significance (1 of 4 stars; one submission).

Conditions:
Charcot-Marie-Tooth disease type 2A1. Also called: HEREDITARY MOTOR AND SENSORY NEUROPATHY IIA1; CHARCOT-MARIE-TOOTH DISEASE, AXONAL, AUTOSOMAL DOMINANT, TYPE 2A1; CHARCOT-MARIE-TOOTH DISEASE, NEURONAL, TYPE 2A1; CHARCOT-MARIE-TOOTH NEUROPATHY, TYPE 2A1; CHARCOT-MARIE-TOOTH DISEASE, AXONAL, TYPE 2A1. Identifiers: Orphanet 99946, MedGen C1861678, MONDO:0007308, OMIM 118210.

gnomAD v4.1: 1 of 1,614,044 alleles (0.000062%); highest among the groups gnomAD compares: Non-Finnish European, 0.000085%; no homozygotes.

Submission:

Foundation for Research in Genetics and Endocrinology, FRIGE's Institute of Human Genetics
Classification: Uncertain significance for Charcot-Marie-Tooth disease type 2A1. Last evaluated: 2025-01-24. Review status: criteria provided, single submitter. Criteria: ACMG Guidelines, 2015. Collection method: clinical testing. Allele origin: germline. Inheritance: Autosomal dominant inheritance. Affected: yes. Observed: 1 heterozygote.
Comment: A heterozygous missense variant in exon 4 of the KIF1B gene that results in the amino acid substitution of Cystine for Tyrosine at codon 66 was detected. The observed variant c.197G>A (p.Cys66Tyr) has not been reported in the 1000 genomes and has a MAF 0.0001% gnomAD databases. The in silico prediction of the variant are possibly damaging by SIFT. The variant has a CADD score of 23.7. In summary, the variant meets our criteria to be classified as variant of uncertain significance.

NM_001365951.3(KIF1B):c.197G>A (p.Cys66Tyr)

Gene: KIF1B (kinesin family member 1B; plus strand). Cytogenetic location: 1p36.22.
Variant type: single nucleotide variant.
Coding change: c.197G>A on transcript NM_001365951.3 (MANE Select); coding-DNA position 197, G replaced by A.
Protein change: p.Cys66Tyr; replaces cysteine 66 with tyrosine.
Molecular consequence: missense variant.
Genome position (GRCh38, 1-based): chr1:10,258,506, G>A. VCF-style: chr1-10258506-G-A. GRCh37 (hg19) VCF-style: chr1-10318564-G-A.
Other names: p.Cys66Tyr; c.197G>A, p.Cys66Tyr (NM_001365952.1, NM_001365953.1, NM_015074.3 and 1 more transcripts); short protein forms C66Y.
Identifiers: ClinVar variation 3767300 (VCV003767300.1).